The following is an entry in ClinVar:

ClinVar aggregate classification (germline): Uncertain significance (1 of 4 stars; one submission).

Conditions:
Inborn genetic diseases. Identifiers: MedGen C0950123, MeSH D030342.

gnomAD v4.1: 184 of 1,566,124 alleles (0.012%); highest among the groups gnomAD compares: Non-Finnish European, 0.015%; no homozygotes.

Submission:

Ambry Genetics
Classification: Uncertain significance for Inborn genetic diseases. Last evaluated: 2024-12-28. Review status: criteria provided, single submitter. Criteria: Ambry Variant Classification Scheme 2023. Collection method: clinical testing. Allele origin: germline.
Comment: The p.T78M variant (also known as c.233C>T), located in coding exon 2 of the F2 gene, results from a C to T substitution at nucleotide position 233. The threonine at codon 78 is replaced by methionine, an amino acid with similar properties. This amino acid position is conserved. In addition, this alteration is predicted to be tolerated by in silico analysis. Based on the available evidence, the clinical significance of this variant remains unclear.

NM_000506.5(F2):c.233C>T (p.Thr78Met)

Gene: F2 (coagulation factor II, thrombin; plus strand). Cytogenetic location: 11p11.2.
Variant type: single nucleotide variant.
Coding change: c.233C>T on transcript NM_000506.5 (MANE Select); coding-DNA position 233, C replaced by T.
Protein change: p.Thr78Met; replaces threonine 78 with methionine.
Molecular consequence: missense variant.
Genome position (GRCh38, 1-based): chr11:46,719,855, C>T. VCF-style: chr11-46719855-C-T. GRCh37 (hg19) VCF-style: chr11-46741405-C-T.
Other names: short protein forms T78M.
Identifiers: ClinVar variation 2588649 (VCV002588649.3), dbSNP rs200934494, ClinGen allele CA221647311.
Genomic context (GRCh38, chr11:46,719,855, plus strand): 5'-GAGAGTGCGTGGAGGAGACGTGCAGCTACGAGGAGGCCTTCGAGGCTCTGGAGTCCTCCA[C>T]GGCTACGGTGAGCCTGGGCTGCTCGGACGGTGCCGGGGCCTCAGACCGGGCCCAACTCTA-3'
Protein context (NP_000497.1, residues 68-88): EEAFEALESS[Thr78Met]ATDVFWAKYT